The following is an entry in ClinVar:

NM_001267550.2(TTN):c.2137C>T (p.Arg713Ter)

Gene: TTN (titin; minus strand). Cytogenetic location: 2q31.2.
Variant type: single nucleotide variant.
Coding change: c.2137C>T on transcript NM_001267550.2 (MANE Select); coding-DNA position 2137, C replaced by T.
Protein change: p.Arg713Ter; replaces arginine 713 with a stop codon.
Molecular consequence: nonsense.
Genome position (GRCh38, 1-based): chr2:178,786,081, G>A on the plus strand (C>T on the coding strand, the complement: TTN is on the minus strand). VCF-style: chr2-178786081-G-A. GRCh37 (hg19) VCF-style: chr2-179650808-G-A.
Other names: c.2137C>T, p.Arg713Ter (NM_001256850.1, NM_133379.5, NM_133378.4); c.1999C>T, p.Arg667Ter (NM_003319.4, NM_133432.3, NM_133437.4); c.2137C>T (NM_001267550.1); short protein forms R713*, R667*.
Identifiers: ClinVar variation 180003 (VCV000180003.22), dbSNP rs727505277, ClinGen allele CA185609.

ClinVar aggregate classification (germline): Conflicting classifications of pathogenicity. Review status: criteria provided, conflicting classifications (1 of 4 stars). 7 submissions from 6 submitters: Pathogenic (1); Likely pathogenic (3); Uncertain significance (3). Last evaluated 2026-01-27.

Conditions:
Dilated cardiomyopathy 1G (CMD1G). Identifiers: Orphanet 154, MedGen C1858763, MONDO:0011400, OMIM 604145.
Autosomal recessive limb-girdle muscular dystrophy type 2J (LGMDR10). Also called: MUSCULAR DYSTROPHY, LIMB-GIRDLE, AUTOSOMAL RECESSIVE 10; Limb-girdle muscular dystrophy, type 2J. Identifiers: Orphanet 140922, MedGen C1837342, MONDO:0012127, OMIM 608807.
Cardiovascular phenotype. Identifiers: MedGen CN230736.
Early-onset myopathy with fatal cardiomyopathy (CMYO5). Also called: CONGENITAL MYOPATHY 5 WITH CARDIOMYOPATHY; Salih Myopathy. Identifiers: Orphanet 289377, MedGen C2673677, MONDO:0012714, OMIM 611705. Disease mechanism: loss of function.

Allele frequency attached by ClinVar (database versions not stated): TOPMed 0.00001.
gnomAD v4.1: 3 of 1,613,956 alleles (0.00019%); highest among the groups gnomAD compares: Non-Finnish European, 0.00025%; no homozygotes.

Submissions (7):

Labcorp Genetics (formerly Invitae), Labcorp
Classification: Likely pathogenic for Dilated cardiomyopathy 1G; Autosomal recessive limb-girdle muscular dystrophy type 2J. Last evaluated: 2026-01-27. Review status: criteria provided, single submitter. Criteria: Invitae Variant Classification Sherloc (09022015). Collection method: clinical testing. Allele origin: germline.
Comment: This sequence change creates a premature translational stop signal (p.Arg713*) in the TTN gene. While this is not anticipated to result in nonsense mediated decay, it is expected to create a truncated TTN protein. This variant is not present in population databases (gnomAD no frequency). This premature translational stop signal has been observed in individual(s) with clinical features of autosomal recessive congenital myopathy (PMID: 30365001). This variant has been reported in individual(s) with dilated cardiomyopathy (PMID: 25163546, 33106378, 33996946); however, the role of the variant in this condition is currently unclear. ClinVar contains an entry for this variant (Variation ID: 180003). This variant is located in the Z band of TTN (PMID: 25589632). Truncating variants in this region have been reported in individuals affected with autosomal recessive centronuclear myopathy (PMID: 33449170, internal data). Truncating variants in this region have also been identified in individuals affected with autosomal dominant dilated cardiomyopathy and/or cardio-related conditions (PMID: 27869827, 32964742, internal data). In summary, the currently available evidence indicates that the variant is pathogenic, but additional data are needed to prove that conclusively. Therefore, this variant has been classified as Likely Pathogenic.

3billion
Classification: Pathogenic for Early-onset myopathy with fatal cardiomyopathy. Last evaluated: 2025-08-04. Review status: criteria provided, single submitter. Criteria: ACMG Guidelines, 2015. Collection method: clinical testing. Allele origin: germline. Affected: yes.
Comment: The variant is observed at an extremely low frequency in the gnomAD v4.1.0 dataset (total allele frequency: <0.001%). Predicted Consequence/Location: Stop-gained (nonsense): predicted to result in a loss or disruption of normal protein function through nonsense-mediated decay (NMD) or protein truncation. Multiple pathogenic variants are reported downstream of the variant. The variant has been reported at least twice as pathogenic without evidence for the classification (ClinVar ID: VCV000180003). Therefore, this variant is classified as Pathogenic according to the recommendation of ACMG/AMP guideline.

Ambry Genetics
Classification: Likely pathogenic for Cardiovascular phenotype. Last evaluated: 2025-02-25. Review status: criteria provided, single submitter. Criteria: Ambry Variant Classification Scheme 2023. Collection method: clinical testing. Allele origin: germline.
Comment: The p.R667* variant (also known as c.1999C>T), located in coding exon 12 of the TTN gene, results from a C to T substitution at nucleotide position 1999. This changes the amino acid from an arginine to a stop codon within coding exon 12. This exon is located in the Z-disk region of the N2-B isoform of the titin protein and is constitutively expressed in TTN transcripts (percent spliced in or PSI 100%). This variant was reported in individual(s) with features consistent with dilated cardiomyopathy (DCM) (Perret C et al. Clin Genet, 2024 Feb;105:185-189). This variant is considered to be rare based on population cohorts in the Genome Aggregation Database (gnomAD). This variant is expected to result in loss of function by premature protein truncation or nonsense-mediated mRNA decay. While truncating variants in TTN are present in 1-3% of the general population, truncating variants in the A-band are the most common cause of dilated cardiomyopathy (Herman DS et al. N. Engl. J. Med., 2012 Feb;366:619-28; Roberts AM et al. Sci Transl Med, 2015 Jan;7:270ra6). TTN truncating variants encoded in constitutive exons (PSI >90%) have been found to be significantly associated with DCM regardless of their position in titin (Schafer S et al. Nat. Genet., 2017 01;49:46-53; Akhtar MM et al. Circ Heart Fail, 2020 Oct;13:e006832; Massier M et al. Clin Genet, 2025 Jan). Based on the majority of available evidence to date, this variant is likely to be pathogenic.

GeneDx
Classification: Uncertain significance. Last evaluated: 2023-10-24. Review status: criteria provided, single submitter. Criteria: GeneDx Variant Classification Process June 2021. Collection method: clinical testing. Allele origin: germline. Affected: yes.
Comment: Not observed at significant frequency in large population cohorts (gnomAD); Nonsense variant predicted to result in protein truncation or nonsense mediated decay in a gene or region of a gene for which loss of function is not a well-established mechanism of disease; This variant is associated with the following publications: (PMID: 25163546, 30365001, 33106378)

Baylor Genetics
Classification: Uncertain significance for Dilated cardiomyopathy 1G. Last evaluated: 2023-03-20. Review status: criteria provided, single submitter. Criteria: ACMG Guidelines, 2015. Collection method: clinical testing. Allele origin: unknown.

Baylor Genetics
Classification: Likely pathogenic for Autosomal recessive limb-girdle muscular dystrophy type 2J. Last evaluated: 2019-11-08. Review status: criteria provided, single submitter. Criteria: ACMG Guidelines, 2015. Collection method: clinical testing. Allele origin: unknown. Affected: yes.
Comment: This variant was determined to be likely pathogenic according to ACMG Guidelines, 2015 [PMID:25741868].

Laboratory for Molecular Medicine, Mass General Brigham Personalized Medicine
Classification: Uncertain significance. Last evaluated: 2014-09-26. Review status: criteria provided, single submitter. Criteria: LMM Criteria. Collection method: clinical testing. Allele origin: germline. Observed: 1 variant allele.
Comment: Variant classified as Uncertain Significance - Favor Pathogenic. The Arg713X var iant in TTN has not been previously reported in individuals with cardiomyopathy and was absent from large population studies. This nonsense variant leads to a p remature termination codon at position 713, which is predicted to lead to a trun cated or absent protein. Nonsense and other truncating variants in TTN are stron gly associated with DCM; however, the majority of such variants are located in t he exons encoding for the A-band region of the protein (Herman 2012, Pugh 2014), while this variant occurs in the Z-disc. In summary, while there is some suspic ion for a pathogenic role, the clinical significance of the Arg713X variant is u ncertain.

Literature cited by the submitters: PubMed 30365001 (cited by Labcorp Genetics (formerly Invitae), Labcorp); PubMed 25163546 (cited by Labcorp Genetics (formerly Invitae), Labcorp and Ambry Genetics); PubMed 33106378 (cited by Labcorp Genetics (formerly Invitae), Labcorp); PubMed 33996946 (cited by Labcorp Genetics (formerly Invitae), Labcorp); PubMed 25589632 (cited by Labcorp Genetics (formerly Invitae), Labcorp); PubMed 33449170 (cited by Labcorp Genetics (formerly Invitae), Labcorp); PubMed 27869827 (cited by Labcorp Genetics (formerly Invitae), Labcorp); PubMed 32964742 (cited by Labcorp Genetics (formerly Invitae), Labcorp); PubMed 37904629 (cited by Ambry Genetics).